The following is an entry in ClinVar:

NM_015335.5(MED13L):c.230A>G (p.Lys77Arg)

Gene: MED13L (mediator complex subunit 13L; minus strand). Cytogenetic location: 12q24.21.
Variant type: single nucleotide variant.
Coding change: c.230A>G on transcript NM_015335.5 (MANE Select); coding-DNA position 230, A replaced by G.
Protein change: p.Lys77Arg; replaces lysine 77 with arginine.
Molecular consequence: missense variant.
Genome position (GRCh38, 1-based): chr12:116,237,548, T>C on the plus strand (A>G on the coding strand, the complement: MED13L is on the minus strand). VCF-style: chr12-116237548-T-C. GRCh37 (hg19) VCF-style: chr12-116675353-T-C.
Other names: short protein forms K77R.
Identifiers: ClinVar variation 2043196 (VCV002043196.6), dbSNP rs142742835, ClinGen allele CA6811801.

ClinVar aggregate classification (germline): Likely benign. Review status: criteria provided, multiple submitters, no conflicts (2 of 4 stars). 2 submissions from 2 submitters: Likely benign (2). Last evaluated 2026-05-01.

Conditions:
Dextro-looped transposition of the great arteries. Also called: Dextrotransposition of the great arteries. Identifiers: Orphanet 860, MedGen C3531771, MONDO:0019443, OMIM 608808, HP:0031348.

Allele frequency attached by ClinVar (database versions not stated): gnomAD 0.00001; gnomAD exomes 0.00001; TOPMed 0.00002; ExAC 0.00004; ESP Exome Variant Server 0.00008.
gnomAD v4.1: 15 of 1,614,072 alleles (0.00093%); highest among the groups gnomAD compares: African/African-American, 0.004%; no homozygotes.

Submissions (2):

CeGaT Center for Human Genetics Tuebingen
Classification: Likely benign. Last evaluated: 2026-05-01. Review status: criteria provided, single submitter. Criteria: CeGaT Center For Human Genetics Tuebingen Variant Classification Criteria Version 2. Collection method: clinical testing. Allele origin: germline. Affected: yes. Observed: 1 variant allele.
Comment: MED13L: BS2

Labcorp Genetics (formerly Invitae), Labcorp
Classification: Likely benign for Dextro-looped transposition of the great arteries. Last evaluated: 2024-12-16. Review status: criteria provided, single submitter. Criteria: Invitae Variant Classification Sherloc (09022015). Collection method: clinical testing. Allele origin: germline.